The following is an entry in ClinVar:

NM_182548.4(LHFPL5):c.53A>G (p.Tyr18Cys)

Gene: LHFPL5 (LHFPL tetraspan subfamily member 5; plus strand). Cytogenetic location: 6p21.31.
Variant type: single nucleotide variant.
Coding change: c.53A>G on transcript NM_182548.4 (MANE Select); coding-DNA position 53, A replaced by G.
Protein change: p.Tyr18Cys; replaces tyrosine 18 with cysteine.
Molecular consequence: missense variant.
Genome position (GRCh38, 1-based): chr6:35,805,723, A>G. VCF-style: chr6-35805723-A-G. GRCh37 (hg19) VCF-style: chr6-35773500-A-G.
Other names: short protein forms Y18C.
Identifiers: ClinVar variation 3601193 (VCV003601193.1).

ClinVar aggregate classification (germline): Likely pathogenic (1 of 4 stars; one submission).

Conditions:
Autosomal recessive nonsyndromic hearing loss 67. Identifiers: Orphanet 90636, MedGen C1853223, MONDO:0012460, OMIM 610265.

Submission:

Institute of Rare Diseases, West China Hospital, Sichuan University
Classification: Likely pathogenic for Autosomal recessive nonsyndromic hearing loss 67. Last evaluated: 2025-01-09. Review status: criteria provided, single submitter. Criteria: ClinGen HL ACMG Specifications v1. Collection method: research. Allele origin: germline. Affected: yes.
Comment: PM3_Strong;PM2_Supporting;PP3